The following is an entry in ClinVar:

NM_003995.4(NPR2):c.2923C>A (p.Pro975Thr)

Genes: NPR2 (natriuretic peptide receptor 2; plus strand), SPAG8 (sperm associated antigen 8; minus strand). Cytogenetic location: 9p13.3.
Variant type: single nucleotide variant.
Coding change: c.2923C>A on transcript NM_003995.4 (MANE Select); coding-DNA position 2923, C replaced by A.
Protein change: p.Pro975Thr; replaces proline 975 with threonine.
Molecular consequence: missense variant. On other transcripts: intron variant (2).
Genome position (GRCh38, 1-based): chr9:35,808,790, C>A. VCF-style: chr9-35808790-C-A. GRCh37 (hg19) VCF-style: chr9-35808787-C-A.
Other names: c.2932C>A, p.Pro978Thr (NM_001378923.1); c.1201-484G>T (NM_001366760.2); c.1373-484G>T (NM_172312.2); short protein forms P975T, P978T.
Identifiers: ClinVar variation 1314814 (VCV001314814.8), dbSNP rs2132101777, ClinGen allele CA373385857.

ClinVar aggregate classification (germline): Uncertain significance. Review status: criteria provided, multiple submitters, no conflicts (2 of 4 stars). 2 submissions from 2 submitters: Uncertain significance (2). Last evaluated 2024-11-13.

Conditions:
Acromesomelic dysplasia 1, Maroteaux type (AMD1). Also called: ST. HELENA DYSPLASIA; ACROMESOMELIC DYSPLASIA 1. Identifiers: Orphanet 40, MedGen C1864356, MONDO:0011275, OMIM 602875.
Tall stature-scoliosis-macrodactyly of the great toes syndrome. Also called: Epiphyseal chondrodysplasia, miura type. Identifiers: Orphanet 329191, MedGen C4014690, MONDO:0014401, OMIM 615923.

Submissions (2):

GeneDx
Classification: Uncertain significance. Last evaluated: 2024-11-13. Review status: criteria provided, single submitter. Criteria: GeneDx Variant Classification Process June 2021. Collection method: clinical testing. Allele origin: germline. Affected: yes.
Comment: Not observed at significant frequency in large population cohorts (gnomAD); In silico analysis supports that this missense variant has a deleterious effect on protein structure/function; Has not been previously published as pathogenic or benign to our knowledge

Labcorp Genetics (formerly Invitae), Labcorp
Classification: Uncertain significance for Tall stature-scoliosis-macrodactyly of the great toes syndrome; Acromesomelic dysplasia 1, Maroteaux type. Last evaluated: 2023-09-22. Review status: criteria provided, single submitter. Criteria: Invitae Variant Classification Sherloc (09022015). Collection method: clinical testing. Allele origin: germline.
Comment: This variant is not present in population databases (gnomAD no frequency). In summary, the available evidence is currently insufficient to determine the role of this variant in disease. Therefore, it has been classified as a Variant of Uncertain Significance. Advanced modeling of protein sequence and biophysical properties (such as structural, functional, and spatial information, amino acid conservation, physicochemical variation, residue mobility, and thermodynamic stability) performed at Invitae indicates that this missense variant is expected to disrupt NPR2 protein function. ClinVar contains an entry for this variant (Variation ID: 1314814). This variant has not been reported in the literature in individuals affected with NPR2-related conditions. This sequence change replaces proline, which is neutral and non-polar, with threonine, which is neutral and polar, at codon 975 of the NPR2 protein (p.Pro975Thr).